The following is an entry in ClinVar:

NM_024675.4(PALB2):c.2452T>A (p.Phe818Ile)

Gene: PALB2 (partner and localizer of BRCA2; minus strand). Cytogenetic location: 16p12.2.
Variant type: single nucleotide variant.
Coding change: c.2452T>A on transcript NM_024675.4 (MANE Select); coding-DNA position 2452, T replaced by A.
Protein change: p.Phe818Ile; replaces phenylalanine 818 with isoleucine.
Molecular consequence: missense variant.
Genome position (GRCh38, 1-based): chr16:23,629,702, A>T on the plus strand (T>A on the coding strand, the complement: PALB2 is on the minus strand). VCF-style: chr16-23629702-A-T. GRCh37 (hg19) VCF-style: chr16-23641023-A-T.
Other names: short protein forms F818I.
Identifiers: ClinVar variation 1470381 (VCV001470381.9), dbSNP rs1555460328, ClinGen allele CA395124161.
Genomic context (GRCh38, chr16:23,629,702, plus strand): 5'-GTTCGACGGAATGTTTATGCAGCTCCTGGCATGTGTTTCTACAGAGCTGATTTTCTTTAA[A>T]AGTGAATGACTCAATGGGTGGAGGTGTTCCTGGCGGGACAGAGTCACAGTCACAGGTAGG-3'
Protein context (NP_078951.2, residues 808-828): GTPPPIESFT[Phe818Ile]KENQLCRNTC

ClinVar aggregate classification (germline): Uncertain significance (1 of 4 stars; one submission).

Conditions:
Familial cancer of breast. Also called: hereditary breast carcinoma; BREAST CANCER, FAMILIAL; Hereditary breast cancer. Identifiers: Orphanet 227535, MedGen C0346153, MONDO:0016419, OMIM 114480. Disease mechanism: loss of function.

Submission:

Labcorp Genetics (formerly Invitae), Labcorp
Classification: Uncertain significance for Familial cancer of breast. Last evaluated: 2024-11-07. Review status: criteria provided, single submitter. Criteria: Invitae Variant Classification Sherloc (09022015). Collection method: clinical testing. Allele origin: germline.
Comment: This sequence change replaces phenylalanine, which is neutral and non-polar, with isoleucine, which is neutral and non-polar, at codon 818 of the PALB2 protein (p.Phe818Ile). This variant is not present in population databases (gnomAD no frequency). This variant has not been reported in the literature in individuals affected with PALB2-related conditions. ClinVar contains an entry for this variant (Variation ID: 1470381). Invitae Evidence Modeling of protein sequence and biophysical properties (such as structural, functional, and spatial information, amino acid conservation, physicochemical variation, residue mobility, and thermodynamic stability) indicates that this missense variant is not expected to disrupt PALB2 protein function with a negative predictive value of 80%. In summary, the available evidence is currently insufficient to determine the role of this variant in disease. Therefore, it has been classified as a Variant of Uncertain Significance.